The following is an entry in ClinVar:

ClinVar aggregate classification (germline): Likely benign (1 of 4 stars; one submission).

Allele frequency attached by ClinVar (database versions not stated): TOPMed 0.00003; gnomAD exomes 0.00005; gnomAD 0.00007; ExAC 0.00019.
gnomAD v4.1: 82 of 1,613,716 alleles (0.0051%); highest among the groups gnomAD compares: Non-Finnish European, 0.0063%; no homozygotes.

Submission:

CeGaT Center for Human Genetics Tuebingen
Classification: Likely benign. Last evaluated: 2022-09-01. Review status: criteria provided, single submitter. Criteria: CeGaT Center For Human Genetics Tuebingen Variant Classification Criteria Version 2. Collection method: clinical testing. Allele origin: germline. Affected: yes. Observed: 2 variant alleles.
Comment: GSR: BP4, BP7

NM_000637.5(GSR):c.639C>T (p.Pro213=)

Gene: GSR (glutathione-disulfide reductase; minus strand). Cytogenetic location: 8p12.
Variant type: single nucleotide variant.
Coding change: c.639C>T on transcript NM_000637.5 (MANE Select); coding-DNA position 639, C replaced by T.
Protein change: p.Pro213=; no amino-acid change (proline 213 retained).
Molecular consequence: synonymous variant.
Genome position (GRCh38, 1-based): chr8:30,703,094, G>A on the plus strand (C>T on the coding strand, the complement: GSR is on the minus strand). VCF-style: chr8-30703094-G-A. GRCh37 (hg19) VCF-style: chr8-30560611-G-A.
Other names: c.639C>T, p.Pro213= (NM_001195102.3, NM_001195103.3, NM_001195104.3).
Identifiers: ClinVar variation 2658516 (VCV002658516.24), dbSNP rs200066399, ClinGen allele CA4701463.